The following is an entry in ClinVar:

NM_003872.3(NRP2):c.2425+9522A>T

Gene: NRP2 (neuropilin 2; plus strand). Cytogenetic location: 2q33.3.
Variant type: single nucleotide variant.
Coding change: c.2425+9522A>T on transcript NM_003872.3 (MANE Select); 9522 bases into the intron after coding-DNA position 2425, A replaced by T.
Molecular consequence: intron variant. On other transcripts: synonymous variant (2).
Genome position (GRCh38, 1-based): chr2:205,776,325, A>T. VCF-style: chr2-205776325-A-T. GRCh37 (hg19) VCF-style: chr2-206641049-A-T.
Other names: c.2520A>T, p.Val840= (NM_018534.4); c.2505A>T, p.Val835= (NM_201267.2); c.2440+9507A>T (NM_201266.2); c.2425+9522A>T (NM_201279.2).
Identifiers: ClinVar variation 4978274 (VCV004978274.1).

ClinVar aggregate classification (germline): Likely benign (1 of 4 stars; one submission).

Conditions:
NRP2-related disorder. Also called: NRP2-related condition.

Submission:

PreventionGenetics, part of Exact Sciences
Classification: Likely benign for NRP2-related condition. Last evaluated: 2026-05-26. Review status: criteria provided, single submitter. Criteria: ACMG Guidelines, 2015. Collection method: clinical testing. Allele origin: germline.
Comment: This variant is classified as likely benign based on ACMG/AMP sequence variant interpretation guidelines (Richards et al. 2015 PMID: 25741868, with internal and published modifications).